The following is an entry in ClinVar:

ClinVar aggregate classification (germline): Uncertain significance (1 of 4 stars; one submission).

Conditions:
Hereditary cancer-predisposing syndrome. Also called: Tumor predisposition; Hereditary Cancer Syndrome; Hereditary neoplastic syndrome; Neoplastic Syndromes, Hereditary. Identifiers: Orphanet 140162, MedGen C0027672, MeSH D009386, MONDO:0015356.

Submission:

Ambry Genetics
Classification: Uncertain significance for Hereditary cancer-predisposing syndrome. Last evaluated: 2023-08-10. Review status: criteria provided, single submitter. Criteria: Ambry Variant Classification Scheme 2023. Collection method: clinical testing. Allele origin: germline.
Comment: The p.H654Y variant (also known as c.1960C>T), located in coding exon 13 of the PDGFRA gene, results from a C to T substitution at nucleotide position 1960. The histidine at codon 654 is replaced by tyrosine, an amino acid with similar properties. This amino acid position is conserved. In addition, this alteration is predicted to be deleterious by in silico analysis. Since supporting evidence is limited at this time, the clinical significance of this alteration remains unclear.

NM_006206.6(PDGFRA):c.1960C>T (p.His654Tyr)

Gene: PDGFRA (platelet derived growth factor receptor alpha; plus strand). Cytogenetic location: 4q12.
Variant type: single nucleotide variant.
Coding change: c.1960C>T on transcript NM_006206.6 (MANE Select); coding-DNA position 1960, C replaced by T.
Protein change: p.His654Tyr; replaces histidine 654 with tyrosine.
Molecular consequence: missense variant.
Genome position (GRCh38, 1-based): chr4:54,277,964, C>T. VCF-style: chr4-54277964-C-T. GRCh37 (hg19) VCF-style: chr4-55144131-C-T.
Other names: c.1960C>T, p.His654Tyr (NM_001347827.2, NM_001347829.2); c.2035C>T, p.His679Tyr (NM_001347828.2); c.1999C>T, p.His667Tyr (NM_001347830.2); short protein forms H654Y, H667Y, H679Y.
Identifiers: ClinVar variation 2587722 (VCV002587722.2), dbSNP rs377159519, ClinGen allele CA356893715.